The following is an entry in ClinVar:

ClinVar aggregate classification (germline): Benign (0 of 4 stars; one submission).

Conditions:
SLC17A3-related disorder. Also called: SLC17A3-related condition.

Allele frequency attached by ClinVar (database versions not stated): ESP Exome Variant Server 0.00108; gnomAD exomes 0.00124; ExAC 0.00131; gnomAD 0.00186; TOPMed 0.00207.
gnomAD v4.1: 2,194 of 1,614,082 alleles (0.14%); highest among the groups gnomAD compares: Admixed American, 0.42%; 23 homozygotes.

Submission:

PreventionGenetics, part of Exact Sciences
Classification: Benign for SLC17A3-related condition. Last evaluated: 2020-07-15. Review status: no assertion criteria provided. Collection method: clinical testing. Allele origin: germline.
Comment: This variant is classified as benign based on ACMG/AMP sequence variant interpretation guidelines (Richards et al. 2015 PMID: 25741868, with internal and published modifications).

NM_001098486.2(SLC17A3):c.1140A>G (p.Ser380=)

Gene: SLC17A3 (solute carrier family 17 member 3; minus strand). Cytogenetic location: 6p22.2.
Variant type: single nucleotide variant.
Coding change: c.1140A>G on transcript NM_001098486.2 (MANE Select); coding-DNA position 1140, A replaced by G.
Protein change: p.Ser380=; no amino-acid change (serine 380 retained).
Molecular consequence: synonymous variant.
Genome position (GRCh38, 1-based): chr6:25,849,936, T>C on the plus strand (A>G on the coding strand, the complement: SLC17A3 is on the minus strand). VCF-style: chr6-25849936-T-C. GRCh37 (hg19) VCF-style: chr6-25850164-T-C.
Other names: c.906A>G, p.Ser302= (NM_006632.4).
Identifiers: ClinVar variation 3052099 (VCV003052099.2), dbSNP rs141619987, ClinGen allele CA3662954.
Genomic context (GRCh38, chr6:25,849,936, plus strand): 5'-CAGCAAGGCAGTTGCTGTGATATAGCCGGAATTGAGGTAAGGCAGAGACACAATGAGTGC[T>C]GAAGAGGGGAGACTTCCTAGGAAATGAAGAAGAAACCAATTAAACAGTGAGATGCATTCT-3'
Protein context (NP_001091956.1, residues 370-390): IATILGSLPS[Ser380=]ALIVSLPYLN